The following is an entry in ClinVar:

ClinVar aggregate classification (germline): Pathogenic (1 of 4 stars; one submission).

Conditions:
Neurofibromatosis, type 1 (NF1). Also called: NEUROFIBROMATOSIS, TYPE I, SOMATIC; Neurofibromatosis, type I; Peripheral type neurofibromatosis; VON RECKLINGHAUSEN DISEASE. Identifiers: Orphanet 636, MedGen C0027831, MONDO:0018975, OMIM 162200. Disease mechanism: loss of function.

Submission:

Labcorp Genetics (formerly Invitae), Labcorp
Classification: Pathogenic for Neurofibromatosis, type 1. Last evaluated: 2022-08-20. Review status: criteria provided, single submitter. Criteria: Invitae Variant Classification Sherloc (09022015). Collection method: clinical testing. Allele origin: germline.
Comment: This sequence change creates a premature translational stop signal (p.Lys476*) in the NF1 gene. It is expected to result in an absent or disrupted protein product. Loss-of-function variants in NF1 are known to be pathogenic (PMID: 10712197, 23913538). This variant is not present in population databases (gnomAD no frequency). This variant has not been reported in the literature in individuals affected with NF1-related conditions. For these reasons, this variant has been classified as Pathogenic.

Literature cited by the submitters: PubMed 10712197; PubMed 23913538.

NM_001042492.3(NF1):c.1426_1430del (p.Leu475_Lys476insTer)

Gene: NF1 (neurofibromin 1; plus strand). Cytogenetic location: 17q11.2.
Variant type: Deletion.
Coding change: c.1426_1430del on transcript NM_001042492.3 (MANE Select); coding-DNA positions 1426 to 1430, 5 bases deleted (AAATT; older notation c.1426_1430delAAATT).
Protein change: p.Leu475_Lys476insTer.
Molecular consequence: nonsense. On other transcripts: frameshift variant (1).
Genome position (GRCh38, 1-based): chr17:31,214,484-31,214,488, AAATT deleted; deleting any 5 consecutive bases within chr17:31,214,482-31,214,488 gives the same sequence; the c. name uses the placement nearest the transcript's 3' end. VCF-style (leftmost placement, unchanged base first): chr17-31214481-CTTAAA-C. GRCh37 (hg19) VCF-style: chr17-29541499-CTTAAA-C.
Other names: c.1426_1430delAAATT, p.Lys476Terfs (NM_000267.4); c.1426_1430del, p.Leu475_Lys476insTer (NM_001128147.3).
Identifiers: ClinVar variation 2025402 (VCV002025402.4), dbSNP rs2544829209, ClinGen allele CA2580092787.